The following is an entry in ClinVar:

ClinVar aggregate classification (germline): Uncertain significance (1 of 4 stars; one submission).

Conditions:
SH2B1-related disorder. Also called: SH2B1-related condition.

gnomAD v4.1: 17 of 1,613,798 alleles (0.0011%); highest among the groups gnomAD compares: South Asian, 0.018%; no homozygotes.

Submission:

PreventionGenetics, part of Exact Sciences
Classification: Uncertain significance for SH2B1-related condition. Last evaluated: 2025-03-23. Review status: criteria provided, single submitter. Criteria: ACMG Guidelines, 2015. Collection method: clinical testing. Allele origin: germline.
Comment: The SH2B1 c.479G>T variant is predicted to result in the amino acid substitution p.Arg160Leu. To our knowledge, this variant has not been reported in the literature. This variant is reported in 0.016% of alleles in individuals of South Asian descent in gnomAD. At this time, the clinical significance of this variant is uncertain due to the absence of conclusive functional and genetic evidence.

NM_001387430.1(SH2B1):c.479G>T (p.Arg160Leu)

Gene: SH2B1 (SH2B adaptor protein 1; plus strand). Cytogenetic location: 16p11.2.
Variant type: single nucleotide variant.
Coding change: c.479G>T on transcript NM_001387430.1 (MANE Select); coding-DNA position 479, G replaced by T.
Protein change: p.Arg160Leu; replaces arginine 160 with leucine.
Molecular consequence: missense variant. On other transcripts: intron variant (1).
Genome position (GRCh38, 1-based): chr16:28,866,573, G>T. VCF-style: chr16-28866573-G-T. GRCh37 (hg19) VCF-style: chr16-28877894-G-T.
Other names: c.479G>T, p.Arg160Leu (NM_001145795.2, NM_001145796.2, NM_001145797.2 and 4 more transcripts); c.-26-801G>T (NM_001308294.2); short protein forms R160L.
Identifiers: ClinVar variation 4984224 (VCV004984224.1).